The following is an entry in ClinVar:

ClinVar aggregate classification (germline): Uncertain significance (1 of 4 stars; one submission).

Conditions:
Developmental and epileptic encephalopathy, 2 (DEE2). Also called: INFANTILE SPASM SYNDROME, X-LINKED 2; CDKL5 deficiency disorder. Identifiers: Orphanet 1934, Orphanet 3451, Orphanet 505652, MedGen C4750718, MONDO:0010396, OMIM 300672.
Angelman syndrome-like. Identifiers: MedGen CN128785.

Submission:

Labcorp Genetics (formerly Invitae), Labcorp
Classification: Uncertain significance for Developmental and epileptic encephalopathy, 2; Angelman syndrome-like. Last evaluated: 2024-05-27. Review status: criteria provided, single submitter. Criteria: Invitae Variant Classification Sherloc (09022015). Collection method: clinical testing. Allele origin: germline.
Comment: This sequence change replaces serine, which is neutral and polar, with isoleucine, which is neutral and non-polar, at codon 240 of the CDKL5 protein (p.Ser240Ile). This variant is not present in population databases (gnomAD no frequency). This variant has not been reported in the literature in individuals affected with CDKL5-related conditions. Advanced modeling of protein sequence and biophysical properties (such as structural, functional, and spatial information, amino acid conservation, physicochemical variation, residue mobility, and thermodynamic stability) has been performed at Invitae for this missense variant, however the output from this modeling did not meet the statistical confidence thresholds required to predict the impact of this variant on CDKL5 protein function. In summary, the available evidence is currently insufficient to determine the role of this variant in disease. Therefore, it has been classified as a Variant of Uncertain Significance.

NM_001323289.2(CDKL5):c.719G>T (p.Ser240Ile)

Gene: CDKL5 (cyclin dependent kinase like 5; plus strand). Cytogenetic location: Xp22.13.
Variant type: single nucleotide variant.
Coding change: c.719G>T on transcript NM_001323289.2 (MANE Select); coding-DNA position 719, G replaced by T.
Protein change: p.Ser240Ile; replaces serine 240 with isoleucine.
Molecular consequence: missense variant.
Genome position (GRCh38, 1-based): chrX:18,588,118, G>T. VCF-style: chrX-18588118-G-T. GRCh37 (hg19) VCF-style: chrX-18606238-G-T.
Other names: c.719G>T, p.Ser240Ile (NM_001037343.2, NM_003159.3); short protein forms S240I.
Identifiers: ClinVar variation 2935737 (VCV002935737.3), dbSNP rs766475539, ClinGen allele CA412353621.